The following is an entry in ClinVar:

ClinVar aggregate classification (germline): Uncertain significance (1 of 4 stars; one submission).

Conditions:
RASopathy. Also called: rasopathies; Noonan spectrum disorder. Identifiers: Orphanet 536391, MedGen C5555857, MONDO:0021060.

Submission:

Labcorp Genetics (formerly Invitae), Labcorp
Classification: Uncertain significance for RASopathy. Last evaluated: 2022-04-28. Review status: criteria provided, single submitter. Criteria: Invitae Variant Classification Sherloc (09022015). Collection method: clinical testing. Allele origin: germline.
Comment: This sequence change replaces tryptophan, which is neutral and slightly polar, with cysteine, which is neutral and slightly polar, at codon 496 of the RAF1 protein (p.Trp496Cys). This variant is not present in population databases (gnomAD no frequency). This variant has not been reported in the literature in individuals affected with RAF1-related conditions. Advanced modeling of protein sequence and biophysical properties (such as structural, functional, and spatial information, amino acid conservation, physicochemical variation, residue mobility, and thermodynamic stability) performed at Invitae indicates that this missense variant is expected to disrupt RAF1 protein function. In summary, the available evidence is currently insufficient to determine the role of this variant in disease. Therefore, it has been classified as a Variant of Uncertain Significance.

NM_002880.4(RAF1):c.1488G>C (p.Trp496Cys)

Gene: RAF1 (Raf-1 proto-oncogene, serine/threonine kinase; minus strand). Cytogenetic location: 3p25.2.
Variant type: single nucleotide variant.
Coding change: c.1488G>C on transcript NM_002880.4 (MANE Select); coding-DNA position 1488, G replaced by C.
Protein change: p.Trp496Cys; replaces tryptophan 496 with cysteine.
Molecular consequence: missense variant. On other transcripts: non-coding transcript variant (3).
Genome position (GRCh38, 1-based): chr3:12,585,729, C>G on the plus strand (G>C on the coding strand, the complement: RAF1 is on the minus strand). VCF-style: chr3-12585729-C-G. GRCh37 (hg19) VCF-style: chr3-12627228-C-G.
Other names: c.1548G>C, p.Trp516Cys (NM_001354689.3); c.1488G>C, p.Trp496Cys (NM_001354690.3); c.1245G>C, p.Trp415Cys (NM_001354691.3, NM_001354692.3); c.1389G>C, p.Trp463Cys (NM_001354693.3); c.1305G>C, p.Trp435Cys (NM_001354694.3); c.1146G>C, p.Trp382Cys (NM_001354695.3); short protein forms W435C, W463C, W496C, W415C, W382C, W516C.
Identifiers: ClinVar variation 1436312 (VCV001436312.8), dbSNP rs2125325948, ClinGen allele CA351499043.